The following is an entry in ClinVar:

ClinVar aggregate classification (germline): Uncertain significance (1 of 4 stars; one submission).

Conditions:
Hereditary nonpolyposis colorectal neoplasms. Identifiers: MedGen C0009405, MeSH D003123.

Submission:

Labcorp Genetics (formerly Invitae), Labcorp
Classification: Uncertain significance for Hereditary nonpolyposis colorectal neoplasms. Last evaluated: 2021-02-12. Review status: criteria provided, single submitter. Criteria: Invitae Variant Classification Sherloc (09022015). Collection method: clinical testing. Allele origin: germline.
Comment: In summary, the available evidence is currently insufficient to determine the role of this variant in disease. Therefore, it has been classified as a Variant of Uncertain Significance. Advanced modeling of protein sequence and biophysical properties (such as structural, functional, and spatial information, amino acid conservation, physicochemical variation, residue mobility, and thermodynamic stability) performed at Invitae indicates that this missense variant is not expected to disrupt MSH6 protein function. This variant has not been reported in the literature in individuals with MSH6-related conditions. This sequence change replaces valine with phenylalanine at codon 352 of the MSH6 protein (p.Val352Phe). The valine residue is weakly conserved and there is a small physicochemical difference between valine and phenylalanine. This variant is not present in population databases (ExAC no frequency).

NM_000179.3(MSH6):c.1054G>T (p.Val352Phe)

Gene: MSH6 (mutS homolog 6; plus strand). Cytogenetic location: 2p16.3.
Variant type: single nucleotide variant.
Coding change: c.1054G>T on transcript NM_000179.3 (MANE Select); coding-DNA position 1054, G replaced by T.
Protein change: p.Val352Phe; replaces valine 352 with phenylalanine.
Molecular consequence: missense variant.
Genome position (GRCh38, 1-based): chr2:47,799,037, G>T. VCF-style: chr2-47799037-G-T. GRCh37 (hg19) VCF-style: chr2-48026176-G-T.
Other names: c.664G>T, p.Val222Phe (NM_001281492.2); c.148G>T, p.Val50Phe (NM_001281493.2, NM_001281494.2); short protein forms V50F, V222F, V352F.
Identifiers: ClinVar variation 1514066 (VCV001514066.8), dbSNP rs730881787, ClinGen allele CA346741559.